The following is an entry in ClinVar:

NM_001384732.1(CPLANE1):c.4246G>A (p.Val1416Met)

Gene: CPLANE1 (ciliogenesis and planar polarity effector complex subunit 1; minus strand). Cytogenetic location: 5p13.2.
Variant type: single nucleotide variant.
Coding change: c.4246G>A on transcript NM_001384732.1 (MANE Select); coding-DNA position 4246, G replaced by A.
Protein change: p.Val1416Met; replaces valine 1416 with methionine.
Molecular consequence: missense variant.
Genome position (GRCh38, 1-based): chr5:37,185,023, C>T on the plus strand (G>A on the coding strand, the complement: CPLANE1 is on the minus strand). VCF-style: chr5-37185023-C-T. GRCh37 (hg19) VCF-style: chr5-37185125-C-T.
Other names: c.4246G>A, p.Val1416Met (NM_023073.4); short protein forms V1416M.
Identifiers: ClinVar variation 1588592 (VCV001588592.10), dbSNP rs376365094, ClinGen allele CA3238737.

ClinVar aggregate classification (germline): Conflicting classifications of pathogenicity. Review status: criteria provided, conflicting classifications (1 of 4 stars). 3 submissions from 3 submitters: Uncertain significance (1); Benign (1); Likely benign (1). Last evaluated 2025-12-31.

Allele frequency attached by ClinVar (database versions not stated): gnomAD 0.00002 and 0.00006; gnomAD exomes 0.00004 and 0.00016; TOPMed 0.00004; ExAC 0.00017; 1000 Genomes Project 30x 0.00047; 1000 Genomes Project 0.00060.

Submissions (3):

Labcorp Genetics (formerly Invitae), Labcorp
Classification: Likely benign. Last evaluated: 2025-12-31. Review status: criteria provided, single submitter. Criteria: Invitae Variant Classification Sherloc (09022015). Collection method: clinical testing. Allele origin: germline.

Blueprint Genetics
Classification: Benign. Last evaluated: 2024-09-24. Review status: criteria provided, single submitter. Criteria: ACMG Guidelines, 2015. Collection method: clinical testing. Allele origin: germline.

GeneDx
Classification: Uncertain significance. Last evaluated: 2022-10-10. Review status: criteria provided, single submitter. Criteria: GeneDx Variant Classification Process June 2021. Collection method: clinical testing. Allele origin: germline. Affected: yes.
Comment: Has not been previously published as pathogenic or benign to our knowledge; In silico analysis supports that this missense variant does not alter protein structure/function